The following is an entry in ClinVar:

NM_022124.6(CDH23):c.4937G>A (p.Gly1646Asp)

Gene: CDH23 (cadherin related 23; plus strand). Cytogenetic location: 10q22.1.
Variant type: single nucleotide variant.
Coding change: c.4937G>A on transcript NM_022124.6 (MANE Select); coding-DNA position 4937, G replaced by A.
Protein change: p.Gly1646Asp; replaces glycine 1646 with aspartic acid.
Molecular consequence: missense variant.
Genome position (GRCh38, 1-based): chr10:71,777,771, G>A. VCF-style: chr10-71777771-G-A. GRCh37 (hg19) VCF-style: chr10-73537528-G-A.
Other names: short protein forms G1646D.
Identifiers: ClinVar variation 423190 (VCV000423190.3), dbSNP rs759019656, ClinGen allele CA16618981.
Genomic context (GRCh38, chr10:71,777,771, plus strand): 5'-ATGAGAATGATAACGCGCCCATGTTCCAGCAGCCCCACTATGAGGTGCTGCTGGATGAGG[G>A]CCCAGACACGCTCAACACCAGCCTCATCACCATCCAGGCACTGGACCTGGATGAGGGTCC-3'
Protein context (NP_071407.4, residues 1636-1656): QPHYEVLLDE[Gly1646Asp]PDTLNTSLIT

ClinVar aggregate classification (germline): Uncertain significance. Review status: criteria provided, single submitter (1 of 4 stars). 2 submissions from 2 submitters: Uncertain significance (1). 1 of the submissions does not count toward it. Last evaluated 2017-02-02.

Conditions:
Usher syndrome type 1 (USH1). Also called: RETINITIS PIGMENTOSA AND CONGENITAL DEAFNESS. Identifiers: Orphanet 231169, Orphanet 886, MedGen C1568247, MONDO:0010168, OMIM 276900.

gnomAD v4.1: 7 of 1,613,556 alleles (0.00043%); highest among the groups gnomAD compares: Non-Finnish European, 0.00059%; no homozygotes.

Submissions (2):

GeneDx
Classification: Uncertain significance. Last evaluated: 2017-02-02. Review status: criteria provided, single submitter. Criteria: GeneDx Variant Classification (06012015). Collection method: clinical testing. Allele origin: germline. Affected: yes.
Comment: The G1646D variant in the CDH3 gene has not been reported previously as a pathogenic variant, nor as a benign variant, to our knowledge. The G1646D variant is not observed in large population cohorts (Lek et al., 2016; 1000 Genomes Consortium et al., 2015; Exome Variant Server). The G1646D variant is a non-conservative amino acid substitution, which is likely to impact secondary protein structure as these residues differ in polarity, charge, size and/or other properties. This substitution occurs at a position that is conserved across species. In silico analysis predicts this variant is probably damaging to the protein structure/function. We interpret G1646D as a variant of uncertain significance.

Natera, Inc.
Classification: Uncertain significance for Usher syndrome type 1. Last evaluated: 2020-09-16. Review status: no assertion criteria provided. Collection method: clinical testing. Allele origin: germline. Not counted in ClinVar's aggregate classification.